The following is an entry in ClinVar:

NM_001903.5(CTNNA1):c.865_868del (p.Ile289fs)

Gene: CTNNA1 (catenin alpha 1; plus strand). Cytogenetic location: 5q31.2.
Variant type: Deletion.
Coding change: c.865_868del on transcript NM_001903.5 (MANE Select); coding-DNA positions 865 to 868, 4 bases deleted (ATCA; older notation c.865_868delATCA).
Protein change: p.Ile289fs; shifts the reading frame from isoleucine 289.
Molecular consequence: frameshift variant.
Genome position (GRCh38, 1-based): chr5:138,827,521-138,827,524, ATCA deleted; deleting any 4 consecutive bases within chr5:138,827,520-138,827,524 gives the same sequence; the c. name uses the placement nearest the transcript's 3' end. VCF-style (leftmost placement, unchanged base first): chr5-138827519-AAATC-A. GRCh37 (hg19) VCF-style: chr5-138163208-AAATC-A.
Other names: c.865_868del, p.Ile289fs (NM_001290307.3, NM_001323982.2, NM_001323983.1 and 3 more transcripts); c.556_559del, p.Ile186fs (NM_001290309.3); c.496_499del, p.Ile166fs (NM_001290310.3); short protein forms I166fs, I186fs, I289fs.
Identifiers: ClinVar variation 3498225 (VCV003498225.2).

ClinVar aggregate classification (germline): Pathogenic (1 of 4 stars; one submission).

Conditions:
Hereditary cancer-predisposing syndrome. Also called: Tumor predisposition; Neoplastic Syndromes, Hereditary; Hereditary Cancer Syndrome; Hereditary neoplastic syndrome. Identifiers: Orphanet 140162, MedGen C0027672, MeSH D009386, MONDO:0015356.

Submission:

Ambry Genetics
Classification: Pathogenic for Hereditary cancer-predisposing syndrome. Last evaluated: 2025-07-15. Review status: criteria provided, single submitter. Criteria: Ambry Variant Classification Scheme 2023. Collection method: clinical testing. Allele origin: germline.
Comment: The c.865_868delATCA pathogenic mutation, located in coding exon 6 of the CTNNA1 gene, results from a deletion of 4 nucleotides at nucleotide positions 865 to 868, causing a translational frameshift with a predicted alternate stop codon (p.I289Lfs*5). This variant is considered to be rare based on population cohorts in the Genome Aggregation Database (gnomAD). This alteration is expected to result in loss of function by premature protein truncation or nonsense-mediated mRNA decay. As such, this alteration is interpreted as a disease-causing mutation.